The following is an entry in ClinVar:

ClinVar aggregate classification (germline): Uncertain significance (1 of 4 stars; one submission).

Conditions:
Epileptic encephalopathy. Identifiers: MedGen C0543888, HP:0200134.

Submission:

Labcorp Genetics (formerly Invitae), Labcorp
Classification: Uncertain significance for Epileptic encephalopathy. Last evaluated: 2017-08-13. Review status: criteria provided, single submitter. Criteria: Invitae Variant Classification Sherloc (09022015). Collection method: clinical testing. Allele origin: germline.
Comment: This variant has not been reported in the literature in individuals with RYR3-related disease. This sequence change replaces alanine with valine at codon 4726 of the RYR3 protein (p.Ala4726Val). The alanine residue is highly conserved and there is a small physicochemical difference between alanine and valine. This variant is not present in population databases (ExAC no frequency). Algorithms developed to predict the effect of missense changes on protein structure and function do not agree on the potential impact of this missense change (SIFT: "Deleterious"; PolyPhen-2: "Probably Damaging"; Align-GVGD: "Class C0"). Algorithms developed to predict the effect of sequence changes on RNA splicing suggest that this variant may create or strengthen a splice site, but this prediction has not been confirmed by published transcriptional studies. In summary, the available evidence is currently insufficient to determine the role of this variant in disease. Therefore, it has been classified as a Variant of Uncertain Significance.

NM_001036.6(RYR3):c.14177C>T (p.Ala4726Val)

Genes: AVEN (apoptosis and caspase activation inhibitor; minus strand), RYR3 (ryanodine receptor 3; plus strand). Cytogenetic location: 15q14.
Variant type: single nucleotide variant.
Coding change: c.14177C>T on transcript NM_001036.6 (MANE Select); coding-DNA position 14177, C replaced by T.
Protein change: p.Ala4726Val; replaces alanine 4726 with valine.
Molecular consequence: missense variant.
Genome position (GRCh38, 1-based): chr15:33,859,609, C>T. VCF-style: chr15-33859609-C-T. GRCh37 (hg19) VCF-style: chr15-34151810-C-T.
Other names: c.14162C>T, p.Ala4721Val (NM_001243996.4); short protein forms A4726V, A4721V.
Identifiers: ClinVar variation 530990 (VCV000530990.8), dbSNP rs1162778289, ClinGen allele CA391592699.